The following is an entry in ClinVar:

ClinVar aggregate classification (germline): Uncertain significance. Review status: criteria provided, single submitter (1 of 4 stars). 2 submissions from 2 submitters: Uncertain significance (1). 1 of the submissions does not count toward it. Last evaluated 2022-03-09.

Conditions:
Usher syndrome type 2A. Also called: RETINAL DISEASE IN USHER SYNDROME TYPE IIA, MODIFIER OF; USHER SYNDROME, TYPE IIA. Identifiers: Orphanet 231178, Orphanet 886, MedGen C1848634, MONDO:0010169, OMIM 276901.

Allele frequency attached by ClinVar (database versions not stated): TOPMed 0.00001.

Submissions (2):

Labcorp Genetics (formerly Invitae), Labcorp
Classification: Uncertain significance. Last evaluated: 2022-03-09. Review status: criteria provided, single submitter. Criteria: Invitae Variant Classification Sherloc (09022015). Collection method: clinical testing. Allele origin: germline.
Comment: In summary, the available evidence is currently insufficient to determine the role of this variant in disease. Therefore, it has been classified as a Variant of Uncertain Significance. Algorithms developed to predict the effect of missense changes on protein structure and function are either unavailable or do not agree on the potential impact of this missense change (SIFT: "Deleterious"; PolyPhen-2: "Benign"; Align-GVGD: "Class C0"). ClinVar contains an entry for this variant (Variation ID: 858877). This variant has not been reported in the literature in individuals affected with USH2A-related conditions. This variant is not present in population databases (gnomAD no frequency). This sequence change replaces glutamic acid, which is acidic and polar, with glycine, which is neutral and non-polar, at codon 2668 of the USH2A protein (p.Glu2668Gly).

Natera, Inc.
Classification: Uncertain significance for Usher syndrome type 2A. Last evaluated: 2020-09-16. Review status: no assertion criteria provided. Collection method: clinical testing. Allele origin: germline. Not counted in ClinVar's aggregate classification.

NM_206933.4(USH2A):c.8003A>G (p.Glu2668Gly)

Gene: USH2A (usherin; minus strand). Cytogenetic location: 1q41.
Variant type: single nucleotide variant.
Coding change: c.8003A>G on transcript NM_206933.4 (MANE Select); coding-DNA position 8003, A replaced by G.
Protein change: p.Glu2668Gly; replaces glutamic acid 2668 with glycine.
Molecular consequence: missense variant.
Genome position (GRCh38, 1-based): chr1:215,888,646, T>C on the plus strand (A>G on the coding strand, the complement: USH2A is on the minus strand). VCF-style: chr1-215888646-T-C. GRCh37 (hg19) VCF-style: chr1-216061988-T-C.
Other names: short protein forms E2668G.
Identifiers: ClinVar variation 858877 (VCV000858877.7), dbSNP rs267598377, ClinGen allele CA344839270.